The following is an entry in ClinVar:

ClinVar aggregate classification (germline): Uncertain significance. Review status: criteria provided, multiple submitters, no conflicts (2 of 4 stars). 5 submissions from 5 submitters: Uncertain significance (5). Last evaluated 2026-02-05.

Conditions:
OTOG-related disorder. Also called: OTOG-related condition.

Allele frequency attached by ClinVar (database versions not stated): ExAC 0.00006; gnomAD exomes 0.00013; gnomAD 0.00015 and 0.00016; TOPMed 0.00018.
gnomAD v4.1: 105 of 1,550,994 alleles (0.0068%); highest among the groups gnomAD compares: African/African-American, 0.06%; 1 homozygote.

Submissions (5):

GeneDx
Classification: Uncertain significance. Last evaluated: 2026-02-05. Review status: criteria provided, single submitter. Criteria: GeneDx Variant Classification Process June 2021. Collection method: clinical testing. Allele origin: germline. Affected: yes.
Comment: In silico analysis supports that this missense variant has a deleterious effect on protein structure/function; Has not been previously published as pathogenic or benign to our knowledge

PreventionGenetics, part of Exact Sciences
Classification: Uncertain significance for OTOG-related condition. Last evaluated: 2024-11-15. Review status: criteria provided, single submitter. Criteria: ACMG Guidelines, 2015. Collection method: clinical testing. Allele origin: germline.
Comment: The OTOG c.8669G>A variant is predicted to result in the amino acid substitution p.Arg2890His. To our knowledge, this variant has not been reported in the literature. This variant is reported in 0.070% of alleles in individuals of African descent in gnomAD. Although we suspect that this variant may be benign, at this time, the clinical significance of this variant is uncertain due to the absence of conclusive functional and genetic evidence.

CeGaT Center for Human Genetics Tuebingen
Classification: Uncertain significance. Last evaluated: 2024-03-01. Review status: criteria provided, single submitter. Criteria: CeGaT Center For Human Genetics Tuebingen Variant Classification Criteria Version 2. Collection method: clinical testing. Allele origin: germline. Affected: yes. Observed: 1 variant allele.
Comment: OTOG: PM2:Supporting

Labcorp Genetics (formerly Invitae), Labcorp
Classification: Uncertain significance. Last evaluated: 2023-06-20. Review status: criteria provided, single submitter. Criteria: Invitae Variant Classification Sherloc (09022015). Collection method: clinical testing. Allele origin: germline.
Comment: In summary, the available evidence is currently insufficient to determine the role of this variant in disease. Therefore, it has been classified as a Variant of Uncertain Significance. An algorithm developed to predict the effect of missense changes on protein structure and function (PolyPhen-2) suggests that this variant is likely to be disruptive. ClinVar contains an entry for this variant (Variation ID: 1321650). This variant has not been reported in the literature in individuals affected with OTOG-related conditions. This variant is present in population databases (rs375127426, gnomAD 0.07%). This sequence change replaces arginine, which is basic and polar, with histidine, which is basic and polar, at codon 2890 of the OTOG protein (p.Arg2890His).

Blueprint Genetics
Classification: Uncertain significance. Last evaluated: 2022-01-04. Review status: criteria provided, single submitter. Criteria: ACMG Guidelines, 2015. Collection method: clinical testing. Allele origin: germline.

NM_001292063.2(OTOG):c.8633G>A (p.Arg2878His)

Gene: OTOG (otogelin; plus strand). Cytogenetic location: 11p15.1.
Variant type: single nucleotide variant.
Coding change: c.8633G>A on transcript NM_001292063.2 (MANE Select); coding-DNA position 8633, G replaced by A.
Protein change: p.Arg2878His; replaces arginine 2878 with histidine.
Molecular consequence: missense variant.
Genome position (GRCh38, 1-based): chr11:17,645,835, G>A. VCF-style: chr11-17645835-G-A. GRCh37 (hg19) VCF-style: chr11-17667382-G-A.
Other names: c.8669G>A, p.Arg2890His (NM_001277269.2); short protein forms R2878H, R2890H.
Identifiers: ClinVar variation 1321650 (VCV001321650.29), dbSNP rs375127426, ClinGen allele CA5906325.